The following is an entry in ClinVar:

NM_002437.5(MPV17):c.284G>A (p.Gly95Asp)

Gene: MPV17 (mitochondrial inner membrane protein MPV17; minus strand). Cytogenetic location: 2p23.3.
Variant type: single nucleotide variant.
Coding change: c.284G>A on transcript NM_002437.5 (MANE Select); coding-DNA position 284, G replaced by A.
Protein change: p.Gly95Asp; replaces glycine 95 with aspartic acid.
Molecular consequence: missense variant.
Genome position (GRCh38, 1-based): chr2:27,312,585, C>T on the plus strand (G>A on the coding strand, the complement: MPV17 is on the minus strand). VCF-style: chr2-27312585-C-T. GRCh37 (hg19) VCF-style: chr2-27535452-C-T.
Other names: short protein forms G95D.
Identifiers: ClinVar variation 522372 (VCV000522372.3), dbSNP rs1260392202, ClinGen allele CA346208340.
Genomic context (GRCh38, chr2:27,312,585, plus strand): 5'-GACAGTCCATTAAGTGCCCCTACCAGTGGGAGAAAGCAGCCTAGAAAACACGGGGCAAAG[C>T]CCCCCTAGGGAAGAGAAATTAAAGTCCTATGAGTGCTGAAATCCCCACCTACCCCCAACA-3'
Protein context (NP_002428.1, residues 85-105): ALKKMLLDQG[Gly95Asp]FAPCFLGCFL

ClinVar aggregate classification (germline): Uncertain significance. Review status: criteria provided, multiple submitters, no conflicts (2 of 4 stars). 3 submissions from 3 submitters: Uncertain significance (3). Last evaluated 2024-12-11.

Conditions:
Mitochondrial DNA depletion syndrome 6 (hepatocerebral type). Also called: NAVAJO NEUROPATHY; Mitochondrial DNA depletion syndrome type 6; Navajo neurohepatopathy. Identifiers: Orphanet 255229, MedGen C1850406, MONDO:0009747, OMIM 256810.

Allele frequency attached by ClinVar (database versions not stated): gnomAD exomes below 0.00001; TOPMed below 0.00001.
gnomAD v4.1: 2 of 1,614,038 alleles (0.00012%); highest among the groups gnomAD compares: Non-Finnish European, 0.00017%; no homozygotes.

Submissions (3):

Women's Health and Genetics/Laboratory Corporation of America, LabCorp
Classification: Uncertain significance. Last evaluated: 2024-12-11. Review status: criteria provided, single submitter. Criteria: LabCorp Variant Classification Summary - May 2015. Collection method: clinical testing. Allele origin: germline.
Comment: Variant summary: MPV17 c.284G>A (p.Gly95Asp) results in a non-conservative amino acid change in the encoded protein sequence. Three of five in-silico tools predict a damaging effect of the variant on protein function. The variant allele was found at a frequency of 4e-06 in 251250 control chromosomes (gnomAD). c.284G>A has been reported in the literature in individuals affected with Mitochondrial DNA Depletion Syndrome - MPV17 Related. These data indicate that the variant may be associated with disease. To our knowledge, no experimental evidence demonstrating an impact on protein function has been reported. The following publication has been ascertained in the context of this evaluation (PMID: 29282788). ClinVar contains an entry for this variant (Variation ID: 522372). Based on the evidence outlined above, the variant was classified as VUS-possibly pathogenic.

SIB Swiss Institute of Bioinformatics
Classification: Uncertain significance for Mitochondrial DNA depletion syndrome 6 (hepatocerebral type). Last evaluated: 2019-08-13. Review status: criteria provided, single submitter. Criteria: ACMG Guidelines, 2015. Collection method: curation. Allele origin: unknown.
Comment: This variant is interpreted as a variant of uncertain significance for Mitochondrial DNA depletion syndrome 6, autosomal recessive. The following ACMG Tag(s) were applied: PM2, PM1, PM3-supporting.

Wong Mito Lab, Molecular and Human Genetics, Baylor College of Medicine
Classification: Uncertain significance for Mitochondrial DNA depletion syndrome 6. Last evaluated: 2017-12-01. Review status: criteria provided, single submitter. Criteria: ACMG Guidelines, 2015. Collection method: clinical testing. Allele origin: germline. Affected: yes.
Comment: The NM_012160.4:c.419T>C (NP_036292.2:p.Val140Ala) [GRCH38: NC_000006.12:g.98926570A>G] variant in FBXL4 gene is interpretated to be a Likely Pathogenic based on ACMG guidelines (PMID: 25741868). This variant meets one or more of the following evidence codes reported in the ACMG guideline. PM2:This variant is absent in key population databases. PM3:Detected in trans with a pathogenic variant for Mitochondrial DNA depletion syndrome 13 which is a recessive disorder. PP2:This is a missense variant in FBXL4 with a low rate of benign and high rate of pathogenic missense variations. PP3:Computational evidence/predictors indicate the variant has deleterious effect on FBXL4 structure, function, or protein-protein interaction. PP4:Patient's phenotype or family history is highly specific for FBXL4. Based on this evidence code ClinGen Pathogenicity Calculator (PMID:28081714) suggested that the variant is Likely Pathogenic.

Literature cited by the submitters: PubMed 29282788 (cited by Women's Health and Genetics/Laboratory Corporation of America, LabCorp and SIB Swiss Institute of Bioinformatics).